The following is an entry in ClinVar:

NM_018897.3(DNAH7):c.9843C>G (p.Leu3281=)

Gene: DNAH7 (dynein axonemal heavy chain 7; minus strand). Cytogenetic location: 2q32.3.
Variant type: single nucleotide variant.
Coding change: c.9843C>G on transcript NM_018897.3 (MANE Select); coding-DNA position 9843, C replaced by G.
Protein change: p.Leu3281=; no amino-acid change (leucine 3281 retained).
Molecular consequence: synonymous variant.
Genome position (GRCh38, 1-based): chr2:195,809,790, G>C on the plus strand (C>G on the coding strand, the complement: DNAH7 is on the minus strand). VCF-style: chr2-195809790-G-C. GRCh37 (hg19) VCF-style: chr2-196674514-G-C.
Identifiers: ClinVar variation 5040733 (VCV005040733.1).
Genomic context (GRCh38, chr2:195,809,790, plus strand): 5'-GAAAACAGTACTGACCGCCCGCTCATGCAGCAGTAGATTTATGGTTAGACAAAAGGAAAA[G>C]AGCAGCTTATCCTTTTCAAAGAGTGACCGGCAGACATTAACATACAGTGAATAAGTAAAG-3'
Protein context (NP_061720.2, residues 3271-3291): CRSLFEKDKL[Leu3281=]FSFCLTINLL

ClinVar aggregate classification (germline): Likely benign (1 of 4 stars; one submission).

gnomAD v4.1: 1 of 1,599,458 alleles (0.000063%); highest among the groups gnomAD compares: Admixed American, 0.0017%; no homozygotes.

Submission:

CeGaT Center for Human Genetics Tuebingen
Classification: Likely benign. Last evaluated: 2026-08-01. Review status: criteria provided, single submitter. Criteria: CeGaT Center For Human Genetics Tuebingen Variant Classification Criteria Version 2. Collection method: clinical testing. Allele origin: germline. Affected: yes. Observed: 1 variant allele.
Comment: DNAH7: BP4, BP7